The following is an entry in ClinVar:

NM_198510.3(ITIH6):c.3616G>T (p.Glu1206Ter)

Gene: ITIH6 (inter-alpha-trypsin inhibitor heavy chain family member 6; minus strand). Cytogenetic location: Xp11.22.
Variant type: single nucleotide variant.
Coding change: c.3616G>T on transcript NM_198510.3 (MANE Select); coding-DNA position 3616, G replaced by T.
Protein change: p.Glu1206Ter; replaces glutamic acid 1206 with a stop codon.
Molecular consequence: nonsense.
Genome position (GRCh38, 1-based): chrX:54,751,117, C>A on the plus strand (G>T on the coding strand, the complement: ITIH6 is on the minus strand). VCF-style: chrX-54751117-C-A. GRCh37 (hg19) VCF-style: chrX-54777550-C-A.
Other names: short protein forms E1206*.
Identifiers: ClinVar variation 2660672 (VCV002660672.24), dbSNP rs139183502, ClinGen allele CA10425858.
Genomic context (GRCh38, chrX:54,751,117, plus strand): 5'-CCAGGTGGGGTAGTTGCAGGGTACTGGGATGCCTGTAGCGGTGTCGGAGGACTAGGAACT[C>A]AAGGTAGGGCCCAAGGCGGAGGGTAAGGCGGGCTGCAGCAGCCACATAGAGCTCCAGCTG-3'

ClinVar aggregate classification (germline): Likely benign (1 of 4 stars; one submission).

Allele frequency attached by ClinVar (database versions not stated): 1000 Genomes Project 30x 0.00021; 1000 Genomes Project 0.00026; ESP Exome Variant Server 0.00028; TOPMed 0.00028; gnomAD exomes 0.00029; gnomAD 0.00031; ExAC 0.00041.
gnomAD v4.1: 342 of 1,206,793 alleles (0.028%); highest among the groups gnomAD compares: Non-Finnish European, 0.036%; no homozygotes.

Submission:

CeGaT Center for Human Genetics Tuebingen
Classification: Likely benign. Last evaluated: 2023-02-01. Review status: criteria provided, single submitter. Criteria: CeGaT Center For Human Genetics Tuebingen Variant Classification Criteria Version 2. Collection method: clinical testing. Allele origin: germline. Affected: yes. Observed: 1 variant allele.
Comment: ITIH6: BS2